The following is an entry in ClinVar:

ClinVar aggregate classification (germline): Uncertain significance (1 of 4 stars; one submission).

gnomAD v4.1: 1 of 1,612,908 alleles (0.000062%); highest among the groups gnomAD compares: Non-Finnish European, 0.000085%; no homozygotes.

Submission:

Labcorp Genetics (formerly Invitae), Labcorp
Classification: Uncertain significance. Last evaluated: 2024-10-23. Review status: criteria provided, single submitter. Criteria: Invitae Variant Classification Sherloc (09022015). Collection method: clinical testing. Allele origin: germline.
Comment: This sequence change replaces alanine, which is neutral and non-polar, with aspartic acid, which is acidic and polar, at codon 82 of the MCPH1 protein (p.Ala82Asp). This variant is not present in population databases (gnomAD no frequency). This variant has not been reported in the literature in individuals affected with MCPH1-related conditions. An algorithm developed to predict the effect of missense changes on protein structure and function (PolyPhen-2) suggests that this variant is likely to be tolerated. In summary, the available evidence is currently insufficient to determine the role of this variant in disease. Therefore, it has been classified as a Variant of Uncertain Significance.

NM_024596.5(MCPH1):c.245C>A (p.Ala82Asp)

Gene: MCPH1 (microcephalin 1; plus strand). Cytogenetic location: 8p23.1.
Variant type: single nucleotide variant.
Coding change: c.245C>A on transcript NM_024596.5 (MANE Select); coding-DNA position 245, C replaced by A.
Protein change: p.Ala82Asp; replaces alanine 82 with aspartic acid.
Molecular consequence: missense variant. On other transcripts: non-coding transcript variant (1).
Genome position (GRCh38, 1-based): chr8:6,431,510, C>A. VCF-style: chr8-6431510-C-A. GRCh37 (hg19) VCF-style: chr8-6289031-C-A.
Other names: c.245C>A, p.Ala82Asp (NM_001172574.2, NM_001172575.2, NM_001322042.2 and 4 more transcripts); c.239C>A, p.Ala80Asp (NM_001322043.2); c.143C>A, p.Ala48Asp (NM_001322045.2); short protein forms A48D, A80D, A82D.
Identifiers: ClinVar variation 3615378 (VCV003615378.2).